The following is an entry in ClinVar:

ClinVar aggregate classification (germline): Uncertain significance (1 of 4 stars; one submission).

Conditions:
Brachyolmia-amelogenesis imperfecta syndrome. Also called: PLATYSPONDYLY WITH AMELOGENESIS IMPERFECTA; Tooth agenesis, selective, 6; Dental anomalies and short stature. Identifiers: Orphanet 2899, MedGen C1832594, MONDO:0011018, OMIM 601216. Disease mechanism: loss of function.

gnomAD v4.1: 9 of 1,602,024 alleles (0.00056%); highest among the groups gnomAD compares: East Asian, 0.018%; no homozygotes.

Submissions (2):

Labcorp Genetics (formerly Invitae), Labcorp
Classification: Uncertain significance for Brachyolmia-amelogenesis imperfecta syndrome. Last evaluated: 2024-12-04. Review status: criteria provided, single submitter. Criteria: Invitae Variant Classification Sherloc (09022015). Collection method: clinical testing. Allele origin: germline.
Comment: This sequence change falls in intron 15 of the LTBP3 gene. It does not directly change the encoded amino acid sequence of the LTBP3 protein. It affects a nucleotide within the consensus splice site. This variant is not present in population databases (gnomAD no frequency). This variant has not been reported in the literature in individuals affected with LTBP3-related conditions. Variants that disrupt the consensus splice site are a relatively common cause of aberrant splicing (PMID: 17576681, 9536098). Algorithms developed to predict the effect of sequence changes on RNA splicing suggest that this variant is not likely to affect RNA splicing. In summary, the available evidence is currently insufficient to determine the role of this variant in disease. Therefore, it has been classified as a Variant of Uncertain Significance.

Dr. Peter K. Rogan Lab, Western University
No classification provided (evidence only). Condition: Gastric cancer. Review status: no classification provided. Collection method: in vitro. Allele origin: not applicable. Functional consequence: retained intron. Not counted in ClinVar's aggregate classification.

Literature cited by the submitters: PubMed 17576681 (cited by Labcorp Genetics (formerly Invitae), Labcorp); PubMed 9536098 (cited by Labcorp Genetics (formerly Invitae), Labcorp).

NM_001130144.3(LTBP3):c.2231-3C>T

Genes: LTBP3 (latent transforming growth factor beta binding protein 3; minus strand), LOC130006029 (ATAC-STARR-seq lymphoblastoid silent region 3532; plus strand). Cytogenetic location: 11q13.1.
Variant type: single nucleotide variant.
Coding change: c.2231-3C>T on transcript NM_001130144.3 (MANE Select); 3 bases into the intron before coding-DNA position 2231, C replaced by T.
Molecular consequence: intron variant.
Genome position (GRCh38, 1-based): chr11:65,546,567, G>A on the plus strand (C>T on the coding strand, the complement: LTBP3 is on the minus strand). VCF-style: chr11-65546567-G-A. GRCh37 (hg19) VCF-style: chr11-65314038-G-A.
Other names: c.1880-3C>T (NM_001164266.1); c.2231-3C>T (NM_021070.4).
Identifiers: ClinVar variation 3702064 (VCV003702064.3).